The following is an entry in ClinVar:

NM_015512.5(DNAH1):c.5100C>G (p.Leu1700=)

Gene: DNAH1 (dynein axonemal heavy chain 1; plus strand). Cytogenetic location: 3p21.1.
Variant type: single nucleotide variant.
Coding change: c.5100C>G on transcript NM_015512.5 (MANE Select); coding-DNA position 5100, C replaced by G.
Protein change: p.Leu1700=; no amino-acid change (leucine 1700 retained).
Molecular consequence: synonymous variant.
Genome position (GRCh38, 1-based): chr3:52,363,000, C>G. VCF-style: chr3-52363000-C-G. GRCh37 (hg19) VCF-style: chr3-52397016-C-G.
Identifiers: ClinVar variation 544667 (VCV000544667.15), dbSNP rs368364427, ClinGen allele CA2434103.

ClinVar aggregate classification (germline): Likely benign. Review status: criteria provided, multiple submitters, no conflicts (2 of 4 stars). 4 submissions from 4 submitters: Likely benign (3). 1 of the submissions does not count toward it. Last evaluated 2026-01-22.

Conditions:
DNAH1-related disorder. Also called: DNAH1-related condition.
Spermatogenic failure 18. Identifiers: MedGen C4539783, MONDO:0054615, OMIM 617576.
Ciliary dyskinesia, primary, 37 (CILD37). Also called: CILIARY DYSKINESIA, PRIMARY, 37, WITH OR WITHOUT SITUS INVERSUS. Identifiers: MedGen C4539798, MONDO:0033204, OMIM 617577.

Allele frequency attached by ClinVar (database versions not stated): gnomAD exomes 0.00027 and 0.00062; TOPMed 0.00029; ExAC 0.00031; gnomAD 0.00037; ESP Exome Variant Server 0.00047.
gnomAD v4.1: 938 of 1,613,848 alleles (0.058%); highest among the groups gnomAD compares: Non-Finnish European, 0.076%; no homozygotes.

Submissions (4):

Labcorp Genetics (formerly Invitae), Labcorp
Classification: Likely benign for Ciliary dyskinesia, primary, 37; Spermatogenic failure 18. Last evaluated: 2026-01-22. Review status: criteria provided, single submitter. Criteria: Invitae Variant Classification Sherloc (09022015). Collection method: clinical testing. Allele origin: germline.

Blueprint Genetics
Classification: Likely benign. Last evaluated: 2024-11-26. Review status: criteria provided, single submitter. Criteria: ACMG Guidelines, 2015. Collection method: clinical testing. Allele origin: germline.

Breakthrough Genomics
Classification: Likely benign. Review status: criteria provided, single submitter. Criteria: ACMG Guidelines, 2015. Collection method: not provided. Allele origin: germline. Inheritance: Autosomal recessive inheritance. Affected: yes.

PreventionGenetics, part of Exact Sciences
Classification: Likely benign for DNAH1-related condition. Last evaluated: 2019-11-18. Review status: no assertion criteria provided. Collection method: clinical testing. Allele origin: germline. Not counted in ClinVar's aggregate classification.
Comment: This variant is classified as likely benign based on ACMG/AMP sequence variant interpretation guidelines (Richards et al. 2015 PMID: 25741868, with internal and published modifications).